The following is an entry in ClinVar:

NM_000157.4(GBA1):c.1148G>A (p.Gly383Asp)

Genes: GBA1 (glucosylceramidase beta 1; minus strand), LOC106627981 (GBA recombination region; plus strand). Cytogenetic location: 1q22.
Variant type: single nucleotide variant.
Coding change: c.1148G>A on transcript NM_000157.4 (MANE Select); coding-DNA position 1148, G replaced by A.
Protein change: p.Gly383Asp; replaces glycine 383 with aspartic acid.
Molecular consequence: missense variant.
Genome position (GRCh38, 1-based): chr1:155,236,321, C>T on the plus strand (G>A on the coding strand, the complement: GBA1 is on the minus strand). VCF-style: chr1-155236321-C-T. GRCh37 (hg19) VCF-style: chr1-155206112-C-T.
Other names: p.Gly383Asp; c.1148G>A, p.Gly383Asp (NM_001005741.3, NM_001005742.3); c.887G>A, p.Gly296Asp (NM_001171811.2); c.1001G>A, p.Gly334Asp (NM_001171812.2); short protein forms G296D, G334D, G383D.
Identifiers: ClinVar variation 4078744 (VCV004078744.1).
Genomic context (GRCh38, chr1:155,236,321, plus strand): 5'-CTGTACTGCATCCCTCGATCCCAGGAGCCTAGCCGCACACTCTGCTCCCAGAACTTGGAG[C>T]CCACACAGGCCTCTGAGGCAAAGAGCATGGTGTTGGGGAACAGGCGGTGTGTCTCCCCTA-3'
Protein context (NP_000148.2, residues 373-393): TMLFASEACV[Gly383Asp]SKFWEQSVRL

ClinVar aggregate classification (germline): Conflicting classifications of pathogenicity. Review status: criteria provided, conflicting classifications (1 of 4 stars). 2 submissions from 2 submitters: Likely pathogenic (1); Uncertain significance (1). Last evaluated 2025-05-27.

Conditions:
Gaucher disease type I (GD1). Also called: GD 1; Gaucher's disease, type 1; Type 1 Gaucher Disease; ACID BETA-GLUCOSIDASE DEFICIENCY; GAUCHER DISEASE, NONCEREBRAL JUVENILE; GBA DEFICIENCY. Identifiers: Orphanet 355, Orphanet 77259, MedGen C1961835, MONDO:0009265, OMIM 230800.

Submissions (2):

Foundation for Research in Genetics and Endocrinology, FRIGE's Institute of Human Genetics
Classification: Likely pathogenic for Gaucher disease type I. Last evaluated: 2025-05-27. Review status: criteria provided, single submitter. Criteria: ACMG Guidelines, 2015. Collection method: clinical testing. Allele origin: germline. Inheritance: Autosomal recessive inheritance. Affected: yes. Observed: 1 compound heterozygote.
Comment: A heterozygous missense variant in exon 8 of the GBA1 gene that results in the amino acid substitution of Aspartate for Glycine at codon 383 was detected. The observed variant c.1148G>A has not been reported in the 1000 genomes and gnomAD databases. The in silico prediction of the variant are possibly damaging by MutationTaster2, DANN and FATHMM. In summary, the variant meets our criteria to be classified as likely pathogenic.

Revvity Omics, Revvity
Classification: Uncertain significance. Last evaluated: 2023-10-31. Review status: criteria provided, single submitter. Criteria: ACMG Guidelines, 2015. Collection method: clinical testing. Allele origin: germline.